The following is an entry in ClinVar:

NM_002230.4(JUP):c.269G>T (p.Cys90Phe)

Gene: JUP (junction plakoglobin; minus strand). Cytogenetic location: 17q21.2.
Variant type: single nucleotide variant.
Coding change: c.269G>T on transcript NM_002230.4 (MANE Select); coding-DNA position 269, G replaced by T.
Protein change: p.Cys90Phe; replaces cysteine 90 with phenylalanine.
Molecular consequence: missense variant.
Genome position (GRCh38, 1-based): chr17:41,769,617, C>A on the plus strand (G>T on the coding strand, the complement: JUP is on the minus strand). VCF-style: chr17-41769617-C-A. GRCh37 (hg19) VCF-style: chr17-39925869-C-A.
Other names: c.269G>T, p.Cys90Phe (NM_001352773.2, NM_001352774.2, NM_001352775.2 and 3 more transcripts); short protein forms C90F.
Identifiers: ClinVar variation 2103777 (VCV002103777.4), dbSNP rs2544193735, ClinGen allele CA399505757.

ClinVar aggregate classification (germline): Uncertain significance (1 of 4 stars; one submission).

Conditions:
Arrhythmogenic right ventricular dysplasia 12. Also called: ARRHYTHMOGENIC RIGHT VENTRICULAR DYSPLASIA, FAMILIAL, 12. Identifiers: MedGen C1969081, MONDO:0012684, OMIM 611528.
Naxos disease (NXD). Also called: MAL DE NAXOS; PALMOPLANTAR KERATODERMA WITH ARRHYTHMOGENIC RIGHT VENTRICULAR CARDIOMYOPATHY AND WOOLLY HAIR; WOOLLY HAIR, PALMOPLANTAR KERATODERMA, AND CARDIAC ABNORMALITIES; CARDIOMYOPATHY, ARRHYTHMOGENIC RIGHT VENTRICULAR, WITH SKIN, HAIR, AND NAIL ABNORMALITIES; KERATOSIS PALMOPLANTARIS WITH ARRHYTHMOGENIC CARDIOMYOPATHY. Identifiers: Orphanet 34217, MedGen C1832600, MONDO:0011017, OMIM 601214.

Allele frequency attached by ClinVar (database versions not stated): gnomAD exomes below 0.00001.
gnomAD v4.1: 2 of 1,605,570 alleles (0.00012%); highest among the groups gnomAD compares: Non-Finnish European, 0.00017%; no homozygotes.

Submission:

Labcorp Genetics (formerly Invitae), Labcorp
Classification: Uncertain significance for Arrhythmogenic right ventricular dysplasia 12; Naxos disease. Last evaluated: 2022-02-27. Review status: criteria provided, single submitter. Criteria: Invitae Variant Classification Sherloc (09022015). Collection method: clinical testing. Allele origin: germline.
Comment: This sequence change replaces cysteine, which is neutral and slightly polar, with phenylalanine, which is neutral and non-polar, at codon 90 of the JUP protein (p.Cys90Phe). This variant is not present in population databases (gnomAD no frequency). This variant has not been reported in the literature in individuals affected with JUP-related conditions. Algorithms developed to predict the effect of missense changes on protein structure and function (SIFT, PolyPhen-2, Align-GVGD) all suggest that this variant is likely to be tolerated. In summary, the available evidence is currently insufficient to determine the role of this variant in disease. Therefore, it has been classified as a Variant of Uncertain Significance.